The following is an entry in ClinVar:

NM_003159.2(CDKL5):c.-391G>T

Genes: CDKL5 (cyclin dependent kinase like 5; plus strand), LOC121853052 (Sharpr-MPRA regulatory region 2020; plus strand). Cytogenetic location: Xp22.13.
Variant type: single nucleotide variant.
Coding change: c.-391G>T on transcript NM_003159.2; 391 bases upstream of the start codon, G replaced by T.
Genome position (GRCh38, 1-based): chrX:18,425,467, G>T. VCF-style: chrX-18425467-G-T. GRCh37 (hg19) VCF-style: chrX-18443587-G-T.
Identifiers: ClinVar variation 158175 (VCV000158175.13), dbSNP rs191864898, ClinGen allele CA171603.

ClinVar aggregate classification (germline): Benign/Likely benign. Review status: criteria provided, multiple submitters, no conflicts (2 of 4 stars). 5 submissions from 5 submitters: Benign (2); Likely benign (2). 1 of the submissions does not count toward it. Last evaluated 2024-06-28.

Conditions:
CDKL5 disorder. Identifiers: MedGen CN296942, MONDO:0100039.

Allele frequency attached by ClinVar (database versions not stated): gnomAD 0.00632 and 0.00637; gnomAD exomes 0.00781; 1000 Genomes Project 0.00344; 1000 Genomes Project 30x 0.00437; TOPMed 0.00619.

Submissions (5):

Centre for Population Genomics, CPG
Classification: Benign for CDKL5 disorder. Last evaluated: 2024-06-28. Review status: criteria provided, single submitter. Criteria: McKnight et al. (Hum Mutat. 2022). Collection method: curation. Allele origin: germline. Inheritance: X-linked inheritance.
Comment: This variant has been collected from RettBASE and curated to current modified ACMG/AMP criteria. Based on the classification scheme defined by the ClinGen Rett/Angelman-like Expert Panel for Rett/AS-like Disorders Specifications to the ACMG/AMP Variant Interpretation Guidelines VCEP 3.0, this variant is classified as benign. At least the following criteria are met: The allele frequency of this variant in at least one population in gnomAD v3 is higher than the 0.03% threshold defined by the ClinGen Rett/Angelman-like Expert Panel for Rett/AS-like Disorders VCEP 3.0 (BA1).

GeneDx
Classification: Likely benign. Last evaluated: 2021-05-22. Review status: criteria provided, single submitter. Criteria: GeneDx Variant Classification Process June 2021. Collection method: clinical testing. Allele origin: germline. Affected: yes.

Genetic Services Laboratory, University of Chicago
Classification: Benign. Last evaluated: 2013-02-08. Review status: criteria provided, single submitter. Criteria: ACMG Guidelines, 2007. Collection method: clinical testing. Allele origin: germline. Inheritance: X-linked inheritance.

Breakthrough Genomics
Classification: Likely benign. Review status: criteria provided, single submitter. Criteria: ACMG Guidelines, 2015. Collection method: not provided. Allele origin: germline. Inheritance: X-linked inheritance. Affected: yes.

RettBASE
Classification: Benign. Last evaluated: 2014-05-09. Review status: no assertion criteria provided. Collection method: curation. Allele origin: unknown. Observed: 8 variant alleles. Not counted in ClinVar's aggregate classification.
Comment: Benign variation, found in normal male controls

Literature cited by the submitters: PubMed 16015284 (cited by RettBASE); PubMed 22867051 (cited by RettBASE).